The following is an entry in ClinVar:

ClinVar aggregate classification (germline): Likely benign. Review status: criteria provided, multiple submitters, no conflicts (2 of 4 stars). 2 submissions from 2 submitters: Likely benign (2). Last evaluated 2024-11-27.

Submissions (2):

Blueprint Genetics
Classification: Likely benign. Last evaluated: 2024-11-27. Review status: criteria provided, single submitter. Criteria: ACMG Guidelines, 2015. Collection method: clinical testing. Allele origin: germline.

GeneDx
Classification: Likely benign. Last evaluated: 2022-01-19. Review status: criteria provided, single submitter. Criteria: GeneDx Variant Classification Process June 2021. Collection method: clinical testing. Allele origin: germline. Affected: yes.
Comment: See Variant Classification Assertion Criteria.

NM_004977.3(KCNC3):c.*13del

Gene: KCNC3 (potassium voltage-gated channel subfamily C member 3; minus strand). Cytogenetic location: 19q13.33.
Variant type: Deletion.
Coding change: c.*13del on transcript NM_004977.3 (MANE Select); 13 bases downstream of the stop codon, one base deleted (C; older notation c.*13delC).
Molecular consequence: 3 prime UTR variant.
Genome position (GRCh38, 1-based): chr19:50,320,233, G deleted on the plus strand (C on the coding strand, the reverse complement: KCNC3 is on the minus strand); the first of 5 consecutive G bases (chr19:50,320,233-50,320,237); deleting any one gives the same sequence. VCF-style (leftmost placement, unchanged base first): chr19-50320232-AG-A. GRCh37 (hg19) VCF-style: chr19-50823489-AG-A.
Other names: c.*13del (NM_001372305.1).
Identifiers: ClinVar variation 1698028 (VCV001698028.3), dbSNP rs759727454, ClinGen allele CA9594052.